The following is an entry in ClinVar:

ClinVar aggregate classification (germline): Uncertain significance (1 of 4 stars; one submission).

Allele frequency attached by ClinVar (database versions not stated): gnomAD exomes below 0.00001.
gnomAD v4.1: 1 of 1,613,504 alleles (0.000062%); highest among the groups gnomAD compares: Non-Finnish European, 0.000085%; no homozygotes.

Submission:

GeneDx
Classification: Uncertain significance. Last evaluated: 2021-04-07. Review status: criteria provided, single submitter. Criteria: GeneDx Variant Classification Process June 2021. Collection method: clinical testing. Allele origin: germline. Affected: yes.
Comment: Not observed in large population cohorts (Lek et al., 2016); In silico analysis supports that this missense variant has a deleterious effect on protein structure/function; Has not been previously published as pathogenic or benign to our knowledge

NM_000426.4(LAMA2):c.5741C>G (p.Ala1914Gly)

Gene: LAMA2 (laminin subunit alpha 2; plus strand). Cytogenetic location: 6q22.33.
Variant type: single nucleotide variant.
Coding change: c.5741C>G on transcript NM_000426.4 (MANE Select); coding-DNA position 5741, C replaced by G.
Protein change: p.Ala1914Gly; replaces alanine 1914 with glycine.
Molecular consequence: missense variant.
Genome position (GRCh38, 1-based): chr6:129,403,835, C>G. VCF-style: chr6-129403835-C-G. GRCh37 (hg19) VCF-style: chr6-129724980-C-G.
Other names: c.5741C>G, p.Ala1914Gly (NM_001079823.2); short protein forms A1914G.
Identifiers: ClinVar variation 1314506 (VCV001314506.2), dbSNP rs2114697609, ClinGen allele CA365616878.